The following is an entry in ClinVar:

ClinVar aggregate classification (germline): Likely pathogenic (1 of 4 stars; one submission).

Conditions:
Myasthenic syndrome, congenital, 1A, slow-channel. Also called: CMS IIa; MYASTHENIC SYNDROME, CONGENITAL, TYPE IIa; Congenital myasthenic syndrome 1A. Identifiers: MedGen C2931107, MONDO:0011088, OMIM 601462.

Submission:

Breakthrough Genomics
Classification: Likely pathogenic for Myasthenic syndrome, congenital, 1A, slow-channel. Last evaluated: 2021-06-05. Review status: criteria provided, single submitter. Criteria: ACMG Guidelines, 2015. Collection method: clinical testing. Allele origin: germline. Affected: yes.
Comment: This variant lies in the essential splice acceptor site, in intron 1 of the CHRNA1 gene. In-silico splice prediction tools (ASSP and NNSPLICE) suggest that this variant might affect splicing due to the loss of constitutive splice site and introduction of a new splice site, which in turn might lead to a frameshift and consequent premature termination of the protein; this will likely result in loss-of-function. The variant seems to be a novel variant, as it has not been previously reported in population or public databases or in the literature.

NM_000079.4(CHRNA1):c.44-1G>T

Gene: CHRNA1 (cholinergic receptor nicotinic alpha 1 subunit; minus strand). Cytogenetic location: 2q31.1.
Variant type: single nucleotide variant.
Coding change: c.44-1G>T on transcript NM_000079.4 (MANE Select); the canonical splice acceptor site of the intron before coding-DNA position 44, G replaced by T.
Molecular consequence: splice acceptor variant.
Genome position (GRCh38, 1-based): chr2:174,759,634, C>A on the plus strand (G>T on the coding strand, the complement: CHRNA1 is on the minus strand). VCF-style: chr2-174759634-C-A. GRCh37 (hg19) VCF-style: chr2-175624362-C-A.
Other names: c.44-1G>T (NM_001039523.3).
Identifiers: ClinVar variation 3255616 (VCV003255616.2).